The following is an entry in ClinVar:

NM_000222.3(KIT):c.624C>G (p.Phe208Leu)

Gene: KIT (KIT proto-oncogene, receptor tyrosine kinase; plus strand). Cytogenetic location: 4q12.
Variant type: single nucleotide variant.
Coding change: c.624C>G on transcript NM_000222.3 (MANE Select); coding-DNA position 624, C replaced by G.
Protein change: p.Phe208Leu; replaces phenylalanine 208 with leucine.
Molecular consequence: missense variant.
Genome position (GRCh38, 1-based): chr4:54,699,634, C>G. VCF-style: chr4-54699634-C-G. GRCh37 (hg19) VCF-style: chr4-55565800-C-G.
Other names: c.624C>G, p.Phe208Leu (NM_001093772.2, NM_001385284.1, NM_001385285.1 and 4 more transcripts); short protein forms F208L.
Identifiers: ClinVar variation 2963962 (VCV002963962.3), dbSNP rs2475456579, ClinGen allele CA356898151.
Genomic context (GRCh38, chr4:54,699,634, plus strand): 5'-AAAATTTCATGCTATAATACAAATTATTTGAGGGGCCACATTTCTTTTCATTCTAGCCTT[C>G]AAAGCTGTGCCTGTTGTGTCTGTGTCCAAAGCAAGCTATCTTCTTAGGGAAGGGGAAGAA-3'
Protein context (NP_000213.1, residues 198-218): EKFILKVRPA[Phe208Leu]KAVPVVSVSK

ClinVar aggregate classification (germline): Uncertain significance (1 of 4 stars; one submission).

Conditions:
Gastrointestinal stromal tumor. Also called: Gastrointestinal stromal tumor, somatic; Gastrointestinal stroma tumor. Identifiers: Orphanet 44890, MedGen C0238198, MeSH D046152, MONDO:0011719, OMIM 606764, HP:0100723.

Allele frequency attached by ClinVar (database versions not stated): gnomAD exomes below 0.00001.
gnomAD v4.1: 1 of 1,613,942 alleles (0.000062%); no homozygotes.

Submission:

Labcorp Genetics (formerly Invitae), Labcorp
Classification: Uncertain significance for Gastrointestinal stromal tumor. Last evaluated: 2023-12-10. Review status: criteria provided, single submitter. Criteria: Invitae Variant Classification Sherloc (09022015). Collection method: clinical testing. Allele origin: germline.
Comment: This sequence change replaces phenylalanine, which is neutral and non-polar, with leucine, which is neutral and non-polar, at codon 208 of the KIT protein (p.Phe208Leu). This variant is not present in population databases (gnomAD no frequency). This variant has not been reported in the literature in individuals affected with KIT-related conditions. An algorithm developed to predict the effect of missense changes on protein structure and function (PolyPhen-2) suggests that this variant is likely to be tolerated. In summary, the available evidence is currently insufficient to determine the role of this variant in disease. Therefore, it has been classified as a Variant of Uncertain Significance.